The following is an entry in ClinVar:

NM_001927.4(DES):c.709G>T (p.Ala237Ser)

Gene: DES (desmin; plus strand). Cytogenetic location: 2q35.
Variant type: single nucleotide variant.
Coding change: c.709G>T on transcript NM_001927.4 (MANE Select); coding-DNA position 709, G replaced by T.
Protein change: p.Ala237Ser; replaces alanine 237 with serine.
Molecular consequence: missense variant. On other transcripts: intron variant (1).
Genome position (GRCh38, 1-based): chr2:219,420,320, G>T. VCF-style: chr2-219420320-G-T. GRCh37 (hg19) VCF-style: chr2-220285042-G-T.
Other names: c.706G>T, p.Ala236Ser (NM_001382708.1); c.709G>T, p.Ala237Ser (NM_001382709.1, NM_001382710.1, NM_001382711.1 and 1 more transcripts); c.496-205G>T (NM_001382713.1); short protein forms A236S, A237S.
Identifiers: ClinVar variation 1414330 (VCV001414330.11), dbSNP rs397516697, ClinGen allele CA350690558.

ClinVar aggregate classification (germline): Uncertain significance. Review status: criteria provided, multiple submitters, no conflicts (2 of 4 stars). 3 submissions from 3 submitters: Uncertain significance (3). Last evaluated 2025-09-22.

Conditions:
Cardiovascular phenotype. Identifiers: MedGen CN230736.
Desmin-related myofibrillar myopathy (MFM1). Also called: Desmin related myopathy (former name); Desmin storage myopathy (former name); MYOFIBRILLAR MYOPATHY WITH ARRHYTHMOGENIC RIGHT VENTRICULAR CARDIOMYOPATHY; DESMIN-RELATED MYOPATHY WITH ARRHYTHMOGENIC RIGHT VENTRICULAR CARDIOMYOPATHY; Desminopathy; Myofibrillar myopathy 1. Identifiers: Orphanet 363543, Orphanet 98909, MedGen C1832370, MONDO:0011076, OMIM 601419.

gnomAD v4.1: 4 of 1,614,014 alleles (0.00025%); highest among the groups gnomAD compares: African/African-American, 0.0053%; no homozygotes.

Submissions (3):

Labcorp Genetics (formerly Invitae), Labcorp
Classification: Uncertain significance for Desmin-related myofibrillar myopathy. Last evaluated: 2025-09-22. Review status: criteria provided, single submitter. Criteria: Invitae Variant Classification Sherloc (09022015). Collection method: clinical testing. Allele origin: germline.
Comment: This sequence change replaces alanine, which is neutral and non-polar, with serine, which is neutral and polar, at codon 237 of the DES protein (p.Ala237Ser). This variant is present in population databases (no rsID available, gnomAD 0.008%). This variant has not been reported in the literature in individuals affected with DES-related conditions. ClinVar contains an entry for this variant (Variation ID: 1414330). Invitae Evidence Modeling of protein sequence and biophysical properties (such as structural, functional, and spatial information, amino acid conservation, physicochemical variation, residue mobility, and thermodynamic stability) has been performed for this missense variant. However, the output from this modeling did not meet the statistical confidence thresholds required to predict the impact of this variant on DES protein function. In summary, the available evidence is currently insufficient to determine the role of this variant in disease. Therefore, it has been classified as a Variant of Uncertain Significance.

Ambry Genetics
Classification: Uncertain significance for Cardiovascular phenotype. Last evaluated: 2025-07-21. Review status: criteria provided, single submitter. Criteria: Ambry Variant Classification Scheme 2023. Collection method: clinical testing. Allele origin: germline.
Comment: The p.A237S variant (also known as c.709G>T), located in coding exon 3 of the DES gene, results from a G to T substitution at nucleotide position 709. The alanine at codon 237 is replaced by serine, an amino acid with similar properties. This amino acid position is conserved. In addition, the in silico prediction for this alteration is inconclusive. Since supporting evidence is limited at this time, the clinical significance of this alteration remains unclear.

Revvity Omics, Revvity
Classification: Uncertain significance. Last evaluated: 2023-05-17. Review status: criteria provided, single submitter. Criteria: ACMG Guidelines, 2015. Collection method: clinical testing. Allele origin: germline.